The following is an entry in ClinVar:

NM_201384.3(PLEC):c.9703G>A (p.Glu3235Lys)

Gene: PLEC (plectin; minus strand). Cytogenetic location: 8q24.3.
Variant type: single nucleotide variant.
Coding change: c.9703G>A on transcript NM_201384.3 (MANE Select); coding-DNA position 9703, G replaced by A.
Protein change: p.Glu3235Lys; replaces glutamic acid 3235 with lysine.
Molecular consequence: missense variant.
Genome position (GRCh38, 1-based): chr8:143,920,118, C>T on the plus strand (G>A on the coding strand, the complement: PLEC is on the minus strand). VCF-style: chr8-143920118-C-T. GRCh37 (hg19) VCF-style: chr8-144994286-C-T.
Other names: c.10114G>A, p.Glu3372Lys (NM_201380.4); c.9607G>A, p.Glu3203Lys (NM_201381.3); c.9703G>A, p.Glu3235Lys (NM_201382.4); c.9715G>A, p.Glu3239Lys (NM_201383.3); c.9784G>A, p.Glu3262Lys (NM_000445.5); c.6403G>A, p.Glu2135Lys (NM_001410941.1); c.9661G>A, p.Glu3221Lys (NM_201378.4); c.9637G>A, p.Glu3213Lys (NM_201379.3); short protein forms E2135K, E3262K, E3213K, E3235K, E3221K, E3203K, E3239K, E3372K.
Identifiers: ClinVar variation 1963654 (VCV001963654.10), dbSNP rs373873935, ClinGen allele CA4924883.

ClinVar aggregate classification (germline): Uncertain significance. Review status: criteria provided, multiple submitters, no conflicts (2 of 4 stars). 3 submissions from 3 submitters: Uncertain significance (3). Last evaluated 2025-04-09.

Conditions:
Inborn genetic diseases. Identifiers: MedGen C0950123, MeSH D030342.
Epidermolysis bullosa simplex 5B, with muscular dystrophy (EBS5B). Also called: Epidermolysis bullosa simplex with muscular dystrophy; EPIDERMOLYSIS BULLOSA SIMPLEX AND LIMB-GIRDLE MUSCULAR DYSTROPHY. Identifiers: Orphanet 257, MedGen C2931072, MONDO:0009181, OMIM 226670.
Epidermolysis bullosa simplex, Ogna type (EBS5A). Also called: Pidermolysis bullosa simplex 5A, Ogna type; EPIDERMOLYSIS BULLOSA SIMPLEX 5A, OGNA TYPE. Identifiers: Orphanet 79401, MedGen C0432317, MONDO:0007555, OMIM 131950.
Epidermolysis bullosa simplex with nail dystrophy (EBS5D). Identifiers: MedGen C4225309, MONDO:0014661, OMIM 616487.
Epidermolysis bullosa simplex 5C, with pyloric atresia (EBS5C). Also called: PLEC1-Related Epidermolysis Bullosa with Pyloric Atresia; PLEC-Related Epidermolysis Bullosa with Pyloric Atresia; Epidermolysis bullosa simplex with pyloric atresia. Identifiers: Orphanet 158684, MedGen C2677349, MONDO:0012807, OMIM 612138.
Autosomal recessive limb-girdle muscular dystrophy type 2Q (LGMDR17). Also called: MUSCULAR DYSTROPHY, LIMB-GIRDLE, AUTOSOMAL RECESSIVE 17. Identifiers: Orphanet 254361, MedGen C3150989, MONDO:0013390, OMIM 613723.

Allele frequency attached by ClinVar (database versions not stated): ExAC 0.00003; gnomAD 0.00003; TOPMed 0.00003; ESP Exome Variant Server 0.00008; gnomAD exomes 0.00008; 1000 Genomes Project 30x 0.00016; 1000 Genomes Project 0.00020.
gnomAD v4.1: 123 of 1,613,014 alleles (0.0076%); highest among the groups gnomAD compares: Non-Finnish European, 0.0094%; no homozygotes.

Submissions (3):

Ambry Genetics
Classification: Uncertain significance for Inborn genetic diseases. Last evaluated: 2025-04-09. Review status: criteria provided, single submitter. Criteria: Ambry Variant Classification Scheme 2023. Collection method: clinical testing. Allele origin: germline.

Labcorp Genetics (formerly Invitae), Labcorp
Classification: Uncertain significance for Autosomal recessive limb-girdle muscular dystrophy type 2Q; Epidermolysis bullosa simplex, Ogna type; Epidermolysis bullosa simplex with nail dystrophy; Epidermolysis bullosa simplex 5C, with pyloric atresia; Epidermolysis bullosa simplex 5B, with muscular dystrophy. Last evaluated: 2024-12-23. Review status: criteria provided, single submitter. Criteria: Invitae Variant Classification Sherloc (09022015). Collection method: clinical testing. Allele origin: germline.
Comment: This sequence change replaces glutamic acid, which is acidic and polar, with lysine, which is basic and polar, at codon 3262 of the PLEC protein (p.Glu3262Lys). This variant is present in population databases (rs373873935, gnomAD 0.007%). This variant has not been reported in the literature in individuals affected with PLEC-related conditions. ClinVar contains an entry for this variant (Variation ID: 1963654). An algorithm developed to predict the effect of missense changes on protein structure and function (PolyPhen-2) suggests that this variant is likely to be disruptive. In summary, the available evidence is currently insufficient to determine the role of this variant in disease. Therefore, it has been classified as a Variant of Uncertain Significance.

Revvity Omics, Revvity
Classification: Uncertain significance. Last evaluated: 2019-04-10. Review status: criteria provided, single submitter. Criteria: ACMG Guidelines, 2015. Collection method: clinical testing. Allele origin: germline.